The following is an entry in ClinVar:

ClinVar aggregate classification (germline): Likely benign. Review status: criteria provided, single submitter (1 of 4 stars). 2 submissions from 2 submitters: Likely benign (1). 1 of the submissions does not count toward it. Last evaluated 2026-01-15.

Conditions:
PAX1-related disorder. Also called: PAX1-related condition.

Allele frequency attached by ClinVar (database versions not stated): 1000 Genomes Project 30x 0.00031; 1000 Genomes Project 0.00040; gnomAD exomes 0.00055; ExAC 0.00057; gnomAD 0.00010 and 0.00011; TOPMed 0.00029.
gnomAD v4.1: 171 of 1,613,798 alleles (0.011%); highest among the groups gnomAD compares: Admixed American, 0.28%; 1 homozygote.

Submissions (2):

Labcorp Genetics (formerly Invitae), Labcorp
Classification: Likely benign. Last evaluated: 2026-01-15. Review status: criteria provided, single submitter. Criteria: Invitae Variant Classification Sherloc (09022015). Collection method: clinical testing. Allele origin: germline.

PreventionGenetics, part of Exact Sciences
Classification: Likely benign for PAX1-related condition. Last evaluated: 2024-02-16. Review status: no assertion criteria provided. Collection method: clinical testing. Allele origin: germline. Not counted in ClinVar's aggregate classification.
Comment: This variant is classified as likely benign based on ACMG/AMP sequence variant interpretation guidelines (Richards et al. 2015 PMID: 25741868, with internal and published modifications).

NM_001257096.2(PAX1):c.964G>A (p.Asp322Asn)

Gene: PAX1 (paired box 1; plus strand). Cytogenetic location: 20p11.22.
Variant type: single nucleotide variant.
Coding change: c.964G>A on transcript NM_001257096.2 (MANE Select); coding-DNA position 964, G replaced by A.
Protein change: p.Asp322Asn; replaces aspartic acid 322 with asparagine.
Molecular consequence: missense variant.
Genome position (GRCh38, 1-based): chr20:21,708,605, G>A. VCF-style: chr20-21708605-G-A. GRCh37 (hg19) VCF-style: chr20-21689243-G-A.
Other names: c.964G>A, p.Asp322Asn (NM_006192.5); short protein forms D322N.
Identifiers: ClinVar variation 739832 (VCV000739832.12), dbSNP rs202103929, ClinGen allele CA9786635.